The following is an entry in ClinVar:

ClinVar aggregate classification (germline): Conflicting classifications of pathogenicity. Review status: criteria provided, conflicting classifications (1 of 4 stars). 5 submissions from 5 submitters: Uncertain significance (2); Benign (1); Likely benign (2). Last evaluated 2026-01-27.

Conditions:
Mitochondrial complex II deficiency, nuclear type 1. Also called: SUCCINATE CoQ REDUCTASE DEFICIENCY. Identifiers: Orphanet 3208, MedGen C5700310, MONDO:0100294, OMIM 252011.
Pheochromocytoma/paraganglioma syndrome 5. Also called: SDHA-Related Hereditary Paraganglioma-Pheochromocytoma Syndrome; Paragangliomas 5. Identifiers: Orphanet 29072, MedGen C3279992, MONDO:0013602, OMIM 614165.
Hereditary cancer-predisposing syndrome. Also called: Neoplastic Syndromes, Hereditary; Hereditary Cancer Syndrome; Tumor predisposition; Hereditary neoplastic syndrome. Identifiers: Orphanet 140162, MedGen C0027672, MeSH D009386, MONDO:0015356.

Allele frequency attached by ClinVar (database versions not stated): TOPMed 0.00002; gnomAD 0.00006; ESP Exome Variant Server 0.00008.
gnomAD v4.1: 61 of 1,613,714 alleles (0.0038%); highest among the groups gnomAD compares: Non-Finnish European, 0.0048%; no homozygotes.

Submissions (5):

Labcorp Genetics (formerly Invitae), Labcorp
Classification: Likely benign for Pheochromocytoma/paraganglioma syndrome 5; Mitochondrial complex II deficiency, nuclear type 1. Last evaluated: 2026-01-27. Review status: criteria provided, single submitter. Criteria: Invitae Variant Classification Sherloc (09022015). Collection method: clinical testing. Allele origin: germline.

Myriad Genetics, Inc.
Classification: Benign for Pheochromocytoma/paraganglioma syndrome 5. Last evaluated: 2025-02-28. Review status: criteria provided, single submitter. Criteria: Myriad Autosomal Dominant, Autosomal Recessive and X-Linked Classification Criteria (2023). Collection method: clinical testing. Allele origin: unknown.
Comment: This variant is considered benign. This variant is a silent/synonymous amino acid change and it is not expected to impact splicing.

GeneDx
Classification: Uncertain significance. Last evaluated: 2023-06-30. Review status: criteria provided, single submitter. Criteria: GeneDx Variant Classification Process June 2021. Collection method: clinical testing. Allele origin: germline. Affected: yes.
Comment: Not observed at significant frequency in large population cohorts (gnomAD); Has not been previously published as pathogenic or benign to our knowledge; In silico analysis suggests this variant may impact gene splicing. In the absence of RNA/functional studies, the actual effect of this sequence change is unknown.

St. Jude Molecular Pathology, St. Jude Children's Research Hospital
Classification: Uncertain significance for Pheochromocytoma/paraganglioma syndrome 5. Last evaluated: 2023-04-20. Review status: criteria provided, single submitter. Criteria: St. Jude Assertion Criteria 2020. Collection method: clinical testing. Allele origin: germline.
Comment: The SDHA c.453C>A (p.Val151=) synonymous change has a maximum subpopulation frequency of 0.005% in gnomAD v2.1.1. Algorithms that predict the impact of sequence changes on splicing indicate that this change may create or activate a cryptic donor splice site, but RNA studies indicate no splicing effect (internal data). To our knowledge, this variant has not been reported in individuals with SDHA-associated tumors. In summary, the evidence currently available is insufficient to determine the clinical significance of this variant. It has therefore been classified as of uncertain significance.

Ambry Genetics
Classification: Likely benign for Hereditary cancer-predisposing syndrome. Last evaluated: 2018-03-29. Review status: criteria provided, single submitter. Criteria: Ambry Variant Classification Scheme 2023. Collection method: clinical testing. Allele origin: germline.

NM_004168.4(SDHA):c.453C>A (p.Val151=)

Gene: SDHA (succinate dehydrogenase complex flavoprotein subunit A; plus strand). Cytogenetic location: 5p15.33.
Variant type: single nucleotide variant.
Coding change: c.453C>A on transcript NM_004168.4 (MANE Select); coding-DNA position 453, C replaced by A.
Protein change: p.Val151=; no amino-acid change (valine 151 retained).
Molecular consequence: synonymous variant. On other transcripts: intron variant (1).
Genome position (GRCh38, 1-based): chr5:225,559, C>A. VCF-style: chr5-225559-C-A. GRCh37 (hg19) VCF-style: chr5-225674-C-A.
Other names: c.453C>A, p.Val151= (NM_001330758.2); c.313-324C>A (NM_001294332.2).
Identifiers: ClinVar variation 412391 (VCV000412391.16), dbSNP rs138917116, ClinGen allele CA3172827.